The following is an entry in ClinVar:

ClinVar aggregate classification (germline): Benign. Review status: criteria provided, multiple submitters, no conflicts (2 of 4 stars). 3 submissions from 3 submitters: Benign (2). 1 of the submissions does not count toward it. Last evaluated 2025-11-10.

Conditions:
PIK3CA-related disorder. Also called: PIK3CA- related disease; PIK3CA-related disorders; PIK3CA-related condition.
Cowden syndrome (CS). Also called: Cowden's syndrome; Cowden disease; Cowden's disease. Identifiers: Orphanet 201, MedGen C0018553, MONDO:0016063. Disease mechanism: gain of function.

Allele frequency attached by ClinVar (database versions not stated): TOPMed 0.00357; gnomAD exomes 0.00638 and 0.00303; 1000 Genomes Project 0.00060; 1000 Genomes Project 30x 0.00062; gnomAD 0.00318 and 0.00333; ExAC 0.00287; ESP Exome Variant Server 0.00415.
gnomAD v4.1: 9,489 of 1,575,996 alleles (0.6%); highest among the groups gnomAD compares: Non-Finnish European, 0.78%; 38 homozygotes.

Submissions (3):

Labcorp Genetics (formerly Invitae), Labcorp
Classification: Benign for Cowden syndrome. Last evaluated: 2025-11-10. Review status: criteria provided, single submitter. Criteria: Invitae Variant Classification Sherloc (09022015). Collection method: clinical testing. Allele origin: germline.

GeneDx
Classification: Benign. Last evaluated: 2020-04-01. Review status: criteria provided, single submitter. Criteria: GeneDx Variant Classification Process June 2021. Collection method: clinical testing. Allele origin: germline. Affected: yes.
Comment: This variant is associated with the following publications: (PMID: 25834816)

PreventionGenetics, part of Exact Sciences
Classification: Likely benign for PIK3CA-related condition. Last evaluated: 2021-03-31. Review status: no assertion criteria provided. Collection method: clinical testing. Allele origin: germline. Not counted in ClinVar's aggregate classification.
Comment: This variant is classified as likely benign based on ACMG/AMP sequence variant interpretation guidelines (Richards et al. 2015 PMID: 25741868, with internal and published modifications).

NM_006218.4(PIK3CA):c.*29T>C

Gene: PIK3CA (phosphatidylinositol-4,5-bisphosphate 3-kinase catalytic subunit alpha; plus strand). Cytogenetic location: 3q26.32.
Variant type: single nucleotide variant.
Coding change: c.*29T>C on transcript NM_006218.4 (MANE Select); 29 bases downstream of the stop codon, T replaced by C.
Molecular consequence: 3 prime UTR variant.
Genome position (GRCh38, 1-based): chr3:179,234,393, T>C. VCF-style: chr3-179234393-T-C. GRCh37 (hg19) VCF-style: chr3-178952181-T-C.
Other names: c.*29T>C (LRG_310t1, NM_006218.3).
Identifiers: ClinVar variation 246606 (VCV000246606.24), dbSNP rs141178472, ClinGen allele CA2711064.